The following is an entry in ClinVar:

ClinVar aggregate classification (germline): Likely pathogenic (1 of 4 stars; one submission).

Allele frequency attached by ClinVar (database versions not stated): gnomAD exomes 0.00001; ExAC 0.00002; gnomAD 0.00004.
gnomAD v4.1: 17 of 1,613,902 alleles (0.0011%); highest among the groups gnomAD compares: African/African-American, 0.017%; no homozygotes.

Submission:

Labcorp Genetics (formerly Invitae), Labcorp
Classification: Likely pathogenic. Last evaluated: 2025-02-25. Review status: criteria provided, single submitter. Criteria: Invitae Variant Classification Sherloc (09022015). Collection method: clinical testing. Allele origin: germline.
Comment: This sequence change affects a donor splice site in intron 8 of the C8A gene. It is expected to disrupt RNA splicing. Variants that disrupt the donor or acceptor splice site typically lead to a loss of protein function (PMID: 16199547), and loss-of-function variants in C8A are known to be pathogenic (PMID: 9759902). This variant is present in population databases (rs769554105, gnomAD 0.02%). This variant has not been reported in the literature in individuals affected with C8A-related conditions. ClinVar contains an entry for this variant (Variation ID: 2167895). Algorithms developed to predict the effect of sequence changes on RNA splicing suggest that this variant may disrupt the consensus splice site. In summary, the currently available evidence indicates that the variant is pathogenic, but additional data are needed to prove that conclusively. Therefore, this variant has been classified as Likely Pathogenic.

Literature cited by the submitters: PubMed 16199547; PubMed 9759902.

NM_000562.3(C8A):c.1222+1G>A

Gene: C8A (complement C8 alpha chain; plus strand). Cytogenetic location: 1p32.2.
Variant type: single nucleotide variant.
Coding change: c.1222+1G>A on transcript NM_000562.3 (MANE Select); the canonical splice donor site of the intron after coding-DNA position 1222, G replaced by A.
Molecular consequence: splice donor variant.
Genome position (GRCh38, 1-based): chr1:56,906,793, G>A. VCF-style: chr1-56906793-G-A. GRCh37 (hg19) VCF-style: chr1-57372466-G-A.
Identifiers: ClinVar variation 2167895 (VCV002167895.4), dbSNP rs769554105, ClinGen allele CA875285.
Genomic context (GRCh38, chr1:56,906,793, plus strand): 5'-TAAATGTTGGTGGAGGTTTATCAGGAGACCATTGTAAAAAATTTGGAGGTGGCAAAACTG[G>A]CAAGTGTTTAGTAATAGATCTCCCAAAAAGAGAAGCCAGGCTTTCCTTTGGACACACACT-3'